The following is an entry in ClinVar:

ClinVar aggregate classification (germline): Uncertain significance (1 of 4 stars; one submission).

Conditions:
PLXNA4-related disorder. Also called: PLXNA4-related condition.

gnomAD v4.1: 11 of 1,613,142 alleles (0.00068%); highest among the groups gnomAD compares: East Asian, 0.0045%; no homozygotes.

Submission:

PreventionGenetics, part of Exact Sciences
Classification: Uncertain significance for PLXNA4-related condition. Last evaluated: 2026-06-16. Review status: criteria provided, single submitter. Criteria: ACMG Guidelines, 2015. Collection method: clinical testing. Allele origin: germline.
Comment: The PLXNA4 c.1552G>A variant is predicted to result in the amino acid substitution p.Glu518Lys. To our knowledge, this variant has not been reported in the literature. This variant is reported in 0.0033% of alleles in individuals of South Asian descent in gnomAD. At this time, the clinical significance of this variant is uncertain due to the absence of conclusive functional and genetic evidence.

NM_020911.2(PLXNA4):c.1552G>A (p.Glu518Lys)

Gene: PLXNA4 (plexin A4; minus strand). Cytogenetic location: 7q32.3.
Variant type: single nucleotide variant.
Coding change: c.1552G>A on transcript NM_020911.2 (MANE Select); coding-DNA position 1552, G replaced by A.
Protein change: p.Glu518Lys; replaces glutamic acid 518 with lysine.
Molecular consequence: missense variant.
Genome position (GRCh38, 1-based): chr7:132,241,118, C>T on the plus strand (G>A on the coding strand, the complement: PLXNA4 is on the minus strand). VCF-style: chr7-132241118-C-T. GRCh37 (hg19) VCF-style: chr7-131925877-C-T.
Other names: c.1552G>A, p.Glu518Lys (NM_001393897.1); short protein forms E518K.
Identifiers: ClinVar variation 4982802 (VCV004982802.1).